The following is an entry in ClinVar:

NM_006567.5(FARS2):c.550G>A (p.Asp184Asn)

Genes: FARS2 (phenylalanyl-tRNA synthetase 2, mitochondrial; plus strand), LOC126859565 (CDK7 strongly-dependent group 2 enhancer GRCh37_chr6:5368745-5369944; plus strand). Cytogenetic location: 6p25.1.
Variant type: single nucleotide variant.
Coding change: c.550G>A on transcript NM_006567.5 (MANE Select); coding-DNA position 550, G replaced by A.
Protein change: p.Asp184Asn; replaces aspartic acid 184 with asparagine.
Molecular consequence: missense variant. On other transcripts: intron variant (2).
Genome position (GRCh38, 1-based): chr6:5,369,120, G>A. VCF-style: chr6-5369120-G-A. GRCh37 (hg19) VCF-style: chr6-5369353-G-A.
Other names: p.D184N:GAC>AAC; c.550G>A, p.Asp184Asn (NM_001318872.2, NM_001374875.1, NM_001374876.1 and 5 more transcripts); c.-340-27513G>A (NM_001375260.1); c.-84-35422G>A (NM_001375259.1); short protein forms D184N.
Identifiers: ClinVar variation 214340 (VCV000214340.24), dbSNP rs554931092, ClinGen allele CA323826.

ClinVar aggregate classification (germline): Uncertain significance. Review status: criteria provided, multiple submitters, no conflicts (2 of 4 stars). 8 submissions from 8 submitters: Uncertain significance (8). Last evaluated 2026-01-28.

Conditions:
Inborn genetic diseases. Identifiers: MedGen C0950123, MeSH D030342.
Hereditary spastic paraplegia 77. Also called: Spastic paraplegia 77, autosomal recessive. Identifiers: Orphanet 466722, MedGen C5569007, MONDO:0014882, OMIM 617046.
Combined oxidative phosphorylation defect type 14. Also called: Combined oxidative phosphorylation deficiency 14. Identifiers: Orphanet 319519, MedGen C4755312, MONDO:0013986, OMIM 614946.

Allele frequency attached by ClinVar (database versions not stated): ExAC 0.00015; gnomAD 0.00019; 1000 Genomes Project 0.00020; gnomAD exomes 0.00026; TOPMed 0.00028; 1000 Genomes Project 30x 0.00031.
gnomAD v4.1: 152 of 1,613,036 alleles (0.0094%); highest among the groups gnomAD compares: Admixed American, 0.15%; no homozygotes.

Submissions (8):

Labcorp Genetics (formerly Invitae), Labcorp
Classification: Uncertain significance for Combined oxidative phosphorylation defect type 14. Last evaluated: 2026-01-28. Review status: criteria provided, single submitter. Criteria: Invitae Variant Classification Sherloc (09022015). Collection method: clinical testing. Allele origin: germline.
Comment: This sequence change replaces aspartic acid, which is acidic and polar, with asparagine, which is neutral and polar, at codon 184 of the FARS2 protein (p.Asp184Asn). This variant is present in population databases (rs554931092, gnomAD 0.2%). This variant has not been reported in the literature in individuals affected with FARS2-related conditions. ClinVar contains an entry for this variant (Variation ID: 214340). Invitae Evidence Modeling of protein sequence and biophysical properties (such as structural, functional, and spatial information, amino acid conservation, physicochemical variation, residue mobility, and thermodynamic stability) has been performed for this missense variant. However, the output from this modeling did not meet the statistical confidence thresholds required to predict the impact of this variant on FARS2 protein function. In summary, the available evidence is currently insufficient to determine the role of this variant in disease. Therefore, it has been classified as a Variant of Uncertain Significance.

GeneDx
Classification: Uncertain significance. Last evaluated: 2026-01-07. Review status: criteria provided, single submitter. Criteria: GeneDx Variant Classification Process June 2021. Collection method: clinical testing. Allele origin: germline. Affected: yes.
Comment: In silico analysis supports that this missense variant has a deleterious effect on protein structure/function; Has not been previously published as pathogenic or benign to our knowledge

Blueprint Genetics
Classification: Uncertain significance. Last evaluated: 2024-10-03. Review status: criteria provided, single submitter. Criteria: ACMG Guidelines, 2015. Collection method: clinical testing. Allele origin: germline.

Mayo Clinic Laboratories, Mayo Clinic
Classification: Uncertain significance. Last evaluated: 2024-10-03. Review status: criteria provided, single submitter. Criteria: ACMG Guidelines, 2015. Collection method: clinical testing. Allele origin: germline. Observed: 2 variant alleles.

Ambry Genetics
Classification: Uncertain significance for Inborn genetic diseases. Last evaluated: 2020-11-23. Review status: criteria provided, single submitter. Criteria: Ambry Variant Classification Scheme 2023. Collection method: clinical testing. Allele origin: germline.

Laboratorio de Genetica e Diagnostico Molecular, Hospital Israelita Albert Einstein
Classification: Uncertain significance. Last evaluated: 2020-10-21. Review status: criteria provided, single submitter. Criteria: ACMG Guidelines, 2015. Collection method: clinical testing. Allele origin: germline. Affected: yes.

Wong Mito Lab, Molecular and Human Genetics, Baylor College of Medicine
Classification: Uncertain significance for Combined oxidative phosphorylation deficiency 14. Last evaluated: 2018-06-13. Review status: criteria provided, single submitter. Criteria: ACMG Guidelines, 2015. Collection method: clinical testing. Allele origin: germline.

Center for Genomics, Ann and Robert H. Lurie Children's Hospital of Chicago
Classification: Uncertain significance for Combined oxidative phosphorylation defect type 14; Hereditary spastic paraplegia 77. Review status: criteria provided, single submitter. Criteria: ACMG Guidelines, 2015. Collection method: clinical testing. Allele origin: germline.
Comment: This variant has not been reported in the literature but is present in the Genome Aggregation Database (Highest reported MAF 0.1% (23/15260). This variant is present in ClinVar (Variation ID:214340). Evolutionary conservation and computational predictive tools suggest that this variant may impact the protein. In summary, data on this variant is insufficient for disease classification. Therefore, the clinical significance of this variant is uncertain.